The following is an entry in ClinVar:

ClinVar aggregate classification (germline): Uncertain significance (1 of 4 stars; one submission).

Submission:

Labcorp Genetics (formerly Invitae), Labcorp
Classification: Uncertain significance. Last evaluated: 2024-12-12. Review status: criteria provided, single submitter. Criteria: Invitae Variant Classification Sherloc (09022015). Collection method: clinical testing. Allele origin: germline.
Comment: This variant, c.72_89dup, results in the insertion of 6 amino acid(s) of the PODXL protein (p.Pro26_Ser31dup), but otherwise preserves the integrity of the reading frame. This variant is not present in population databases (gnomAD no frequency). This variant has not been reported in the literature in individuals affected with PODXL-related conditions. In summary, the available evidence is currently insufficient to determine the role of this variant in disease. Therefore, it has been classified as a Variant of Uncertain Significance.

NM_001018111.3(PODXL):c.66GTCGCC[7] (p.Ser31_Gln32insProSerProSerProSer)

Genes: PODXL (podocalyxin like; minus strand), LOC129999375 (ATAC-STARR-seq lymphoblastoid silent region 18663; plus strand). Cytogenetic location: 7q32.3.
Variant type: Microsatellite.
Coding change: c.66GTCGCC[7] on transcript NM_001018111.3 (MANE Select); seven copies in a row of the 6-base unit GTCGCC starting at c.66; the reference has four copies in a row; three copies, 18 bases duplicated.
Protein change: p.Ser31_Gln32insProSerProSerProSer.
Molecular consequence: inframe insertion.
Genome position (GRCh38, 1-based): chr7:131,556,271-131,556,288, GGCGACGGCGACGGCGAC duplicated on the plus strand (GTCGCCGTCGCCGTCGCC on the coding strand, the reverse complement: PODXL is on the minus strand); duplicating any 18 consecutive bases within chr7:131,556,271-131,556,295 gives the same sequence; the position shown is the placement nearest the transcript's 3' end. VCF-style (leftmost placement, unchanged base first): chr7-131556270-G-GGGCGACGGCGACGGCGAC. GRCh37 (hg19) VCF-style: chr7-131241029-G-GGGCGACGGCGACGGCGAC.
Other names: c.66GTCGCC[7], p.Ser31_Gln32insProSerProSerProSer (NM_005397.4).
Identifiers: ClinVar variation 2692883 (VCV002692883.3), dbSNP rs11277659, ClinGen allele CA913112009.